The following is an entry in ClinVar:

ClinVar aggregate classification (germline): Benign. Review status: criteria provided, single submitter (1 of 4 stars). 2 submissions from 2 submitters: Benign (1). 1 of the submissions does not count toward it.

Allele frequency attached by ClinVar (database versions not stated): TOPMed 0.11262; ExAC 0.13439; gnomAD exomes 0.13709 and 0.13526; ESP Exome Variant Server 0.09994; gnomAD 0.10279 and 0.10578; 1000 Genomes Project 0.11462; 1000 Genomes Project 30x 0.11774.
gnomAD v4.1: 213,683 of 1,613,974 alleles (13%); highest among the groups gnomAD compares: Admixed American, 19%; 14,812 homozygotes.

Submissions (2):

Breakthrough Genomics
Classification: Benign. Review status: criteria provided, single submitter. Criteria: ACMG Guidelines, 2015. Collection method: not provided. Allele origin: germline. Inheritance: Autosomal dominant inheritance. Affected: yes.

Genetic Services Laboratory, University of Chicago
Classification: Likely benign for AllHighlyPenetrant. Review status: no assertion criteria provided. Collection method: clinical testing. Allele origin: germline. Inheritance: Autosomal dominant inheritance. Not counted in ClinVar's aggregate classification.
Comment: Likely benign based on allele frequency in 1000 Genomes Project or ESP global frequency and its presence in a patient with a rare or unrelated disease phenotype. NOT Sanger confirmed.

NM_001377405.1(ATXN7):c.791A>G (p.Lys264Arg)

Gene: ATXN7 (ataxin 7; plus strand). Cytogenetic location: 3p14.1.
Variant type: single nucleotide variant.
Coding change: c.791A>G on transcript NM_001377405.1 (MANE Select); coding-DNA position 791, A replaced by G.
Protein change: p.Lys264Arg; replaces lysine 264 with arginine.
Molecular consequence: missense variant.
Genome position (GRCh38, 1-based): chr3:63,982,224, A>G. VCF-style: chr3-63982224-A-G. GRCh37 (hg19) VCF-style: chr3-63967900-A-G.
Other names: c.791A>G, p.Lys264Arg (NM_000333.4, NM_001177387.1, NM_001377406.1); c.356A>G, p.Lys119Arg (NM_001128149.3); short protein forms K264R, K119R.
Identifiers: ClinVar variation 128519 (VCV000128519.7), dbSNP rs1053338, ClinGen allele CA152023.
Genomic context (GRCh38, chr3:63,982,224, plus strand): 5'-TTCTCACTTCCTCCTGTGACAGCATGACACCCTCTGTGAAAGTGGAAAAGATTCATCCGA[A>G]AATGGATGGCACACTACTGAAATCTGCGGTGGGGCCAACCTGTCCTGCTACTGTGAGTTC-3'
Protein context (NP_001364334.1, residues 254-274): PSVKVEKIHP[Lys264Arg]MDGTLLKSAV